The following is an entry in ClinVar:

NM_000052.7(ATP7A):c.963T>G (p.Tyr321Ter)

Gene: ATP7A (ATPase copper transporting alpha; plus strand). Cytogenetic location: Xq21.1.
Variant type: single nucleotide variant.
Coding change: c.963T>G on transcript NM_000052.7 (MANE Select); coding-DNA position 963, T replaced by G.
Protein change: p.Tyr321Ter; replaces tyrosine 321 with a stop codon.
Molecular consequence: nonsense.
Genome position (GRCh38, 1-based): chrX:77,989,585, T>G. VCF-style: chrX-77989585-T-G. GRCh37 (hg19) VCF-style: chrX-77245081-T-G.
Other names: c.963T>G, p.Tyr321Ter (NM_001282224.2); short protein forms Y321*.
Identifiers: ClinVar variation 4293469 (VCV004293469.1).

ClinVar aggregate classification (germline): Likely pathogenic (1 of 4 stars; one submission).

Conditions:
Menkes kinky-hair syndrome (MNK). Also called: Copper transport disease; Classic Menkes Disease; Menkes Disease. Identifiers: Orphanet 565, MedGen C0022716, MONDO:0010651, OMIM 309400.

Submission:

3billion
Classification: Likely pathogenic for Menkes kinky-hair syndrome. Last evaluated: 2024-08-22. Review status: criteria provided, single submitter. Criteria: ACMG Guidelines, 2015. Collection method: clinical testing. Allele origin: germline. Affected: yes.
Comment: The variant is not observed in the gnomAD v4.0.0 dataset. Predicted Consequence/Location: Stop-gained (nonsense): predicted to result in a loss or disruption of normal protein function through nonsense-mediated decay (NMD) or protein truncation. Multiple pathogenic variants are reported downstream of the variant. Therefore, this variant is classified as Likely pathogenic according to the recommendation of ACMG/AMP guideline.